The following is an entry in ClinVar:

NM_000218.3(KCNQ1):c.1783G>T (p.Val595Leu)

Gene: KCNQ1 (potassium voltage-gated channel subfamily Q member 1; plus strand). Cytogenetic location: 11p15.5.
Variant type: single nucleotide variant.
Coding change: c.1783G>T on transcript NM_000218.3 (MANE Select); coding-DNA position 1783, G replaced by T.
Protein change: p.Val595Leu; replaces valine 595 with leucine.
Molecular consequence: missense variant.
Genome position (GRCh38, 1-based): chr11:2,778,026, G>T. VCF-style: chr11-2778026-G-T. GRCh37 (hg19) VCF-style: chr11-2799256-G-T.
Other names: c.1687G>T, p.Val563Leu (NM_001406836.1); c.1513G>T, p.Val505Leu (NM_001406837.1); c.1243G>T, p.Val415Leu (NM_001406838.1); c.295G>T, p.Val99Leu (NM_001406839.1); c.1402G>T, p.Val468Leu (NM_181798.2); short protein forms V468L, V563L, V505L, V99L, V595L, V415L.
Identifiers: ClinVar variation 2798026 (VCV002798026.13), dbSNP rs748331705, ClinGen allele CA032779.

ClinVar aggregate classification (germline): Uncertain significance. Review status: criteria provided, multiple submitters, no conflicts (2 of 4 stars). 2 submissions from 2 submitters: Uncertain significance (2). Last evaluated 2025-05-01.

Conditions:
Long QT syndrome (LQTS). Identifiers: MedGen C0023976, MeSH D008133, MONDO:0002442. Disease mechanism: loss of function. Inheritance: Various modes of inheritance.

Allele frequency attached by ClinVar (database versions not stated): ExAC 0.00001.

Submissions (2):

CeGaT Center for Human Genetics Tuebingen
Classification: Uncertain significance. Last evaluated: 2025-05-01. Review status: criteria provided, single submitter. Criteria: CeGaT Center For Human Genetics Tuebingen Variant Classification Criteria Version 2. Collection method: clinical testing. Allele origin: germline. Affected: yes. Observed: 1 variant allele.
Comment: KCNQ1: PM1, PM2

Labcorp Genetics (formerly Invitae), Labcorp
Classification: Uncertain significance for Long QT syndrome. Last evaluated: 2023-09-10. Review status: criteria provided, single submitter. Criteria: Invitae Variant Classification Sherloc (09022015). Collection method: clinical testing. Allele origin: germline.
Comment: In summary, the available evidence is currently insufficient to determine the role of this variant in disease. Therefore, it has been classified as a Variant of Uncertain Significance. Advanced modeling of protein sequence and biophysical properties (such as structural, functional, and spatial information, amino acid conservation, physicochemical variation, residue mobility, and thermodynamic stability) performed at Invitae indicates that this missense variant is not expected to disrupt KCNQ1 protein function. This variant has not been reported in the literature in individuals affected with KCNQ1-related conditions. The frequency data for this variant in the population databases is considered unreliable, as metrics indicate poor data quality at this position in the gnomAD database. This sequence change replaces valine, which is neutral and non-polar, with leucine, which is neutral and non-polar, at codon 595 of the KCNQ1 protein (p.Val595Leu).